The following is an entry in ClinVar:

NM_018082.6(POLR3B):c.4G>C (p.Asp2His)

Gene: POLR3B (RNA polymerase III subunit B; plus strand). Cytogenetic location: 12q23.3.
Variant type: single nucleotide variant.
Coding change: c.4G>C on transcript NM_018082.6 (MANE Select); coding-DNA position 4, G replaced by C.
Protein change: p.Asp2His; replaces aspartic acid 2 with histidine.
Molecular consequence: missense variant.
Genome position (GRCh38, 1-based): chr12:106,357,883, G>C. VCF-style: chr12-106357883-G-C. GRCh37 (hg19) VCF-style: chr12-106751661-G-C.
Other names: short protein forms D2H.
Identifiers: ClinVar variation 5039630 (VCV005039630.1).
Genomic context (GRCh38, chr12:106,357,883, plus strand): 5'-GGTGCAGGGAAGGCGGGCGCGGAGGTTCTATCTGTTTCTTCCTCCTTCGTGAGCAGCATG[G>C]ACGTGCTAGCGGAGGAGTTTGGGAACCTGACTCCGGAGCAGCTGGCGGCGCCGATCCCGA-3'
Protein context (NP_060552.4, residues 1-12): M[Asp2His]VLAEEFGNLT

ClinVar aggregate classification (germline): Uncertain significance (1 of 4 stars; one submission).

gnomAD v4.1: 2 of 1,613,616 alleles (0.00012%); highest among the groups gnomAD compares: Non-Finnish European, 0.00017%; no homozygotes.

Submission:

CeGaT Center for Human Genetics Tuebingen
Classification: Uncertain significance. Last evaluated: 2026-07-01. Review status: criteria provided, single submitter. Criteria: CeGaT Center For Human Genetics Tuebingen Variant Classification Criteria Version 2. Collection method: clinical testing. Allele origin: germline. Affected: yes. Observed: 1 variant allele.
Comment: POLR3B: PM2